The following is an entry in ClinVar:

ClinVar aggregate classification (germline): Likely benign (1 of 4 stars; one submission).

Allele frequency attached by ClinVar (database versions not stated): gnomAD exomes below 0.00001.
gnomAD v4.1: 2 of 1,613,766 alleles (0.00012%); highest among the groups gnomAD compares: Non-Finnish European, 0.00017%; no homozygotes.

Submission:

CeGaT Center for Human Genetics Tuebingen
Classification: Likely benign. Last evaluated: 2025-09-01. Review status: criteria provided, single submitter. Criteria: CeGaT Center For Human Genetics Tuebingen Variant Classification Criteria Version 2. Collection method: clinical testing. Allele origin: germline. Affected: yes. Observed: 2 variant alleles.
Comment: PIK3CA: PM2:Supporting, PP2, PP3, BS2

NM_006218.4(PIK3CA):c.3091A>G (p.Thr1031Ala)

Gene: PIK3CA (phosphatidylinositol-4,5-bisphosphate 3-kinase catalytic subunit alpha; plus strand). Cytogenetic location: 3q26.32.
Variant type: single nucleotide variant.
Coding change: c.3091A>G on transcript NM_006218.4 (MANE Select); coding-DNA position 3091, A replaced by G.
Protein change: p.Thr1031Ala; replaces threonine 1031 with alanine.
Molecular consequence: missense variant.
Genome position (GRCh38, 1-based): chr3:179,234,248, A>G. VCF-style: chr3-179234248-A-G. GRCh37 (hg19) VCF-style: chr3-178952036-A-G.
Other names: short protein forms T1031A.
Identifiers: ClinVar variation 3026295 (VCV003026295.22), dbSNP rs2108429676, ClinGen allele CA355285653.